The following is an entry in ClinVar:

ClinVar aggregate classification (germline): Conflicting classifications of pathogenicity. Review status: criteria provided, conflicting classifications (1 of 4 stars). 6 submissions from 6 submitters: Likely pathogenic (3); Uncertain significance (2). 1 of the submissions does not count toward it. Last evaluated 2026-05-29.

Conditions:
Leukoencephalopathy with calcifications and cysts. Also called: LABRUNE SYNDROME; Leukoencephalopathy, brain calcifications, and cysts. Identifiers: Orphanet 542310, MedGen C3281200, MONDO:0013803, OMIM 614561.
TMEM107-related disorder. Also called: TMEM107-related condition.

Allele frequency attached by ClinVar (database versions not stated): 1000 Genomes Project 0.00020; gnomAD 0.00032; ESP Exome Variant Server 0.00035; TOPMed 0.00044; 1000 Genomes Project 30x 0.00047.
gnomAD v4.1: 232 of 765,264 alleles (0.03%); highest among the groups gnomAD compares: African/African-American, 0.059%; no homozygotes.

Submissions (6):

PreventionGenetics, part of Exact Sciences
Classification: Uncertain significance for TMEM107-related condition. Last evaluated: 2026-05-29. Review status: criteria provided, single submitter. Criteria: ACMG Guidelines, 2015. Collection method: clinical testing. Allele origin: germline.
Comment: The TMEM107 c.*638C>T variant is located in the 3' untranslated region. This variant was reported in the confirmed and presumed compound heterozygous multiple individuals with leukoencephalopathy with calcifications and cysts (Supporting Figure 1, Iwama et al 2017. PubMed ID: 28177126; Supplemental Table 2, Vanderver et al. 2020. PubMed ID: 32342562; Crow et al. 2020. PubMed ID: 33029936; Wang et al. 2022. PubMed ID: 36237624). This variant is reported in 0.071% of alleles in individuals of African descent in gnomAD. Although we suspect this variant may be pathogenic, at this time, the clinical significance of this variant is uncertain due to the absence of conclusive functional and genetic evidence.

Labcorp Genetics (formerly Invitae), Labcorp
Classification: Likely pathogenic. Last evaluated: 2025-09-24. Review status: criteria provided, single submitter. Criteria: Invitae Variant Classification Sherloc (09022015). Collection method: clinical testing. Allele origin: germline.
Comment: This variant occurs in the SNORD118 gene, which encodes an RNA molecule that does not result in a protein product. This variant is present in population databases (rs368022715, gnomAD 0.07%). This variant has been observed in individual(s) with clinical features of leukoencephalopathy with brain calcifications and cysts (PMID: 28177126, 32342562, 33029936, 36237624; internal data). In at least one individual the data is consistent with being in trans (on the opposite chromosome) from a pathogenic variant. ClinVar contains an entry for this variant (Variation ID: 808225). Experimental studies and prediction algorithms are not available or were not evaluated, and the functional significance of this variant is currently unknown. In summary, the currently available evidence indicates that the variant is pathogenic, but additional data are needed to prove that conclusively. Therefore, this variant has been classified as Likely Pathogenic.

Dasa
Classification: Likely pathogenic. Last evaluated: 2025-08-12. Review status: criteria provided, single submitter. Criteria: DASA Assertion Criteria. Collection method: clinical testing. Allele origin: germline.
Comment: NM_183065.4(TMEM107):c.*638C>T is a sequence variant. This variant has been recurrently observed in individuals with TMEM107-related disorders (PMID: 28177126; PMID: 32342562; PMID: 33029936; PMID: 36237624). Also, this variant is rare in population databases. Based on the currently available evidence, this variant is classified as likely pathogenic.

CeGaT Center for Human Genetics Tuebingen
Classification: Likely pathogenic. Last evaluated: 2025-05-01. Review status: criteria provided, single submitter. Criteria: CeGaT Center For Human Genetics Tuebingen Variant Classification Criteria Version 2. Collection method: clinical testing. Allele origin: germline. Affected: yes. Observed: 3 variant alleles.
Comment: SNORD118: PM3:Very Strong, PM2:Supporting

Women's Health and Genetics/Laboratory Corporation of America, LabCorp
Classification: Uncertain significance. Last evaluated: 2025-04-23. Review status: criteria provided, single submitter. Criteria: LabCorp Variant Classification Summary - May 2015. Collection method: clinical testing. Allele origin: germline.
Comment: Variant summary: SNORD118 n.24C>T alters a nucleotide in the non-coding RNA. The variant allele was found at a frequency of 0.00032 in 231966 control chromosomes (gnomAD). This frequency is not significantly higher than estimated for a pathogenic variant in SNORD118 causing Leukoencephalopathy With Calcifications And Cysts, allowing no conclusion about variant significance. n.24C>T has been reported in the literature in individuals affected with Leukoencephalopathy With Calcifications And Cysts (Iwama_ 2017, Vanderver_2020, Crow_2021, Wang_2022, Politano_2023). These data do not allow any conclusion about variant significance. To our knowledge, no experimental evidence demonstrating an impact on protein function has been reported. The following publications have been ascertained in the context of this evaluation (PMID: 33029936, 28177126, 37761957, 32342562, 36237624). ClinVar contains an entry for this variant (Variation ID: 808225). Based on the evidence outlined above, the variant was classified as uncertain significance.

Laboratory of Neurogenetics and Neuroinflammation, Institut Imagine
Classification: Pathogenic for Leukoencephalopathy, brain calcifications, and cysts. Last evaluated: 2020-04-06. Review status: no assertion criteria provided. Collection method: clinical testing. Allele origin: germline. Affected: yes. Observed: 1 variant allele. Not counted in ClinVar's aggregate classification.

Literature cited by the submitters: PubMed 28177126 (cited by 4 submitters); PubMed 32342562 (cited by 3 submitters); PubMed 33029936 (cited by 3 submitters); PubMed 36237624 (cited by 3 submitters); PubMed 37761957 (cited by Women's Health and Genetics/Laboratory Corporation of America, LabCorp).

NR_033294.2(SNORD118):n.24C>T

Genes: TMEM107 (transmembrane protein 107; minus strand), SNORD118 (small nucleolar RNA, C/D box 118; minus strand). Cytogenetic location: 17p13.1.
Variant type: single nucleotide variant.
Molecular consequence: non-coding transcript variant (on NR_033294.2). On other transcripts: 3 prime UTR variant (5).
Genome position: GRCh38 VCF-style: chr17-8173565-G-A. GRCh37 (hg19) VCF-style: chr17-8076883-G-A.
Other names: c.*638C>T (NM_032354.3, NM_001351278.2, NM_001351279.2 and 3 more transcripts).
Identifiers: ClinVar variation 808225 (VCV000808225.55), dbSNP rs368022715, ClinGen allele CA8370800.